The following is an entry in ClinVar:

NM_003482.4(KMT2D):c.2291A>G (p.Gln764Arg)

Gene: KMT2D (lysine methyltransferase 2D; minus strand). Cytogenetic location: 12q13.12.
Variant type: single nucleotide variant.
Coding change: c.2291A>G on transcript NM_003482.4 (MANE Select); coding-DNA position 2291, A replaced by G.
Protein change: p.Gln764Arg; replaces glutamine 764 with arginine.
Molecular consequence: missense variant.
Genome position (GRCh38, 1-based): chr12:49,051,392, T>C on the plus strand (A>G on the coding strand, the complement: KMT2D is on the minus strand). VCF-style: chr12-49051392-T-C. GRCh37 (hg19) VCF-style: chr12-49445175-T-C.
Other names: short protein forms Q764R.
Identifiers: ClinVar variation 2978387 (VCV002978387.3), dbSNP rs1182333125, ClinGen allele CA384666868.

ClinVar aggregate classification (germline): Uncertain significance (1 of 4 stars; one submission).

Conditions:
Kabuki syndrome. Also called: NIIKAWA-KUROKI SYNDROME; Kabuki make-up syndrome. Identifiers: Orphanet 2322, MedGen C0796004, MONDO:0016512.

gnomAD v4.1: 1 of 1,603,560 alleles (0.000062%); highest among the groups gnomAD compares: Admixed American, 0.0017%; no homozygotes.

Submission:

Labcorp Genetics (formerly Invitae), Labcorp
Classification: Uncertain significance for Kabuki syndrome. Last evaluated: 2025-06-29. Review status: criteria provided, single submitter. Criteria: Invitae Variant Classification Sherloc (09022015). Collection method: clinical testing. Allele origin: germline.
Comment: This sequence change replaces glutamine, which is neutral and polar, with arginine, which is basic and polar, at codon 764 of the KMT2D protein (p.Gln764Arg). This variant is not present in population databases (gnomAD no frequency). This variant has not been reported in the literature in individuals affected with KMT2D-related conditions. ClinVar contains an entry for this variant (Variation ID: 2978387). Invitae Evidence Modeling of protein sequence and biophysical properties (such as structural, functional, and spatial information, amino acid conservation, physicochemical variation, residue mobility, and thermodynamic stability) indicates that this missense variant is not expected to disrupt KMT2D protein function with a negative predictive value of 95%. In summary, the available evidence is currently insufficient to determine the role of this variant in disease. Therefore, it has been classified as a Variant of Uncertain Significance.